The following is an entry in ClinVar:

NM_001130144.3(LTBP3):c.3496_3498del (p.Gln1166del)

Gene: LTBP3 (latent transforming growth factor beta binding protein 3; minus strand). Cytogenetic location: 11q13.1.
Variant type: Deletion.
Coding change: c.3496_3498del on transcript NM_001130144.3 (MANE Select); coding-DNA positions 3496 to 3498, 3 bases deleted (CAG; older notation c.3496_3498delCAG).
Protein change: p.Gln1166del; deletes glutamine 1166.
Molecular consequence: inframe deletion.
Genome position (GRCh38, 1-based): chr11:65,539,769-65,539,771, CTG deleted on the plus strand (CAG on the coding strand, the reverse complement: LTBP3 is on the minus strand). VCF-style (leftmost placement, unchanged base first): chr11-65539768-CCTG-C. GRCh37 (hg19) VCF-style: chr11-65307239-CCTG-C.
Other names: c.3004_3006del, p.Gln1002del (NM_001164266.1); c.3355_3357del, p.Gln1119del (NM_021070.4); short protein forms Q1119del, Q1166del, Q1002del.
Identifiers: ClinVar variation 2764085 (VCV002764085.3), dbSNP rs2496116417, ClinGen allele CA2697548670.

ClinVar aggregate classification (germline): Uncertain significance (1 of 4 stars; one submission).

Conditions:
Brachyolmia-amelogenesis imperfecta syndrome. Also called: PLATYSPONDYLY WITH AMELOGENESIS IMPERFECTA; Tooth agenesis, selective, 6; Dental anomalies and short stature. Identifiers: Orphanet 2899, MedGen C1832594, MONDO:0011018, OMIM 601216. Disease mechanism: loss of function.

Submission:

Labcorp Genetics (formerly Invitae), Labcorp
Classification: Uncertain significance for Brachyolmia-amelogenesis imperfecta syndrome. Last evaluated: 2023-09-28. Review status: criteria provided, single submitter. Criteria: Invitae Variant Classification Sherloc (09022015). Collection method: clinical testing. Allele origin: germline.
Comment: This variant, c.3496_3498del, results in the deletion of 1 amino acid(s) of the LTBP3 protein (p.Gln1166del), but otherwise preserves the integrity of the reading frame. In summary, the available evidence is currently insufficient to determine the role of this variant in disease. Therefore, it has been classified as a Variant of Uncertain Significance. Experimental studies and prediction algorithms are not available or were not evaluated, and the functional significance of this variant is currently unknown. This variant has not been reported in the literature in individuals affected with LTBP3-related conditions. This variant is not present in population databases (gnomAD no frequency).